The following is an entry in ClinVar:

NM_006767.4(LZTR1):c.897T>G (p.Phe299Leu)

Gene: LZTR1 (leucine zipper like post translational regulator 1; plus strand). Cytogenetic location: 22q11.21.
Variant type: single nucleotide variant.
Coding change: c.897T>G on transcript NM_006767.4 (MANE Select); coding-DNA position 897, T replaced by G.
Protein change: p.Phe299Leu; replaces phenylalanine 299 with leucine.
Molecular consequence: missense variant.
Genome position (GRCh38, 1-based): chr22:20,991,733, T>G. VCF-style: chr22-20991733-T-G. GRCh37 (hg19) VCF-style: chr22-21346022-T-G.
Other names: short protein forms F299L.
Identifiers: ClinVar variation 3869343 (VCV003869343.1).

ClinVar aggregate classification (germline): Uncertain significance (1 of 4 stars; one submission).

Conditions:
Cardiovascular phenotype. Identifiers: MedGen CN230736.
Hereditary cancer-predisposing syndrome. Also called: Tumor predisposition; Neoplastic Syndromes, Hereditary; Hereditary Cancer Syndrome; Hereditary neoplastic syndrome. Identifiers: Orphanet 140162, MedGen C0027672, MeSH D009386, MONDO:0015356.

Submission:

Ambry Genetics
Classification: Uncertain significance for Cardiovascular phenotype; Hereditary cancer-predisposing syndrome. Last evaluated: 2025-03-04. Review status: criteria provided, single submitter. Criteria: Ambry Variant Classification Scheme 2023. Collection method: clinical testing. Allele origin: germline.
Comment: The p.F299L variant (also known as c.897T>G), located in coding exon 9 of the LZTR1 gene, results from a T to G substitution at nucleotide position 897. The phenylalanine at codon 299 is replaced by leucine, an amino acid with highly similar properties. This amino acid position is conserved. In addition, the in silico prediction for this alteration is inconclusive. Based on the available evidence, the clinical significance of this variant remains unclear.